The following is an entry in ClinVar:

ClinVar aggregate classification (germline): Pathogenic (1 of 4 stars; one submission).

Conditions:
Hypogonadotropic hypogonadism 2 with or without anosmia (HH2). Also called: FGFR1-Related GnRH Deficiency (Kallmann Syndrome 2); HYPOGONADOTROPIC HYPOGONADISM 2 WITHOUT ANOSMIA; HYPOGONADOTROPIC HYPOGONADISM 2 WITH OR WITHOUT ANOSMIA, SUSCEPTIBILITY TO; HYPOGONADOTROPIC HYPOGONADISM 2 WITHOUT ANOSMIA, SUSCEPTIBILITY TO. Identifiers: Orphanet 478, MedGen C1563720, MONDO:0007844, OMIM 147950. Disease mechanism: loss of function.

Submission:

MGZ Medical Genetics Center
Classification: Pathogenic for Hypogonadotropic hypogonadism 2 with or without anosmia. Last evaluated: 2022-04-01. Review status: criteria provided, single submitter. Criteria: ACMG Guidelines, 2015. Collection method: clinical testing. Allele origin: germline. Affected: yes. Observed: 1 variant allele.
Comment: ACMG criteria applied: PVS1, PM2_SUP, PP1

NM_023110.3(FGFR1):c.1969dup (p.Thr657fs)

Gene: FGFR1 (fibroblast growth factor receptor 1; minus strand). Cytogenetic location: 8p11.23.
Variant type: Duplication.
Coding change: c.1969dup on transcript NM_023110.3 (MANE Select); coding-DNA position 1969, one base duplicated (A; older notation c.1969dupA).
Protein change: p.Thr657fs; shifts the reading frame from threonine 657.
Molecular consequence: frameshift variant.
Genome position (GRCh38, 1-based): chr8:38,414,787, T duplicated on the plus strand (A on the coding strand, the reverse complement: FGFR1 is on the minus strand). VCF-style (leftmost placement, unchanged base first): chr8-38414786-G-GT. GRCh37 (hg19) VCF-style: chr8-38272304-G-GT.
Other names: c.1969dup, p.Thr657Asnfs (NM_000604.2); c.1963dup, p.Thr655fs (NM_001174063.2, NM_001174065.2, NM_001354367.2 and 1 more transcripts); c.1939dup, p.Thr647fs (NM_001174064.2); c.1702dup, p.Thr568fs (NM_001174066.2, NM_023105.3); c.2062dup, p.Thr688fs (NM_001174067.2); c.1690dup, p.Thr564fs (NM_001354368.2); c.1957dup, p.Thr653fs (NM_001354369.2); c.1696dup, p.Thr566fs (NM_001354370.2, NM_023106.3); and 1 more; short protein forms T564fs, T566fs, T568fs, T647fs, T653fs, T655fs, T657fs, T688fs.
Identifiers: ClinVar variation 1709350 (VCV001709350.2), dbSNP rs2536816928, ClinGen allele CA2580078242.